The following is an entry in ClinVar:

ClinVar aggregate classification (germline): Uncertain significance (1 of 4 stars; one submission).

Allele frequency attached by ClinVar (database versions not stated): gnomAD 0.00001; gnomAD exomes 0.00001; TOPMed 0.00002.
gnomAD v4.1: 12 of 1,613,910 alleles (0.00074%); highest among the groups gnomAD compares: African/African-American, 0.0013%; no homozygotes.

Submission:

Labcorp Genetics (formerly Invitae), Labcorp
Classification: Uncertain significance. Last evaluated: 2022-03-26. Review status: criteria provided, single submitter. Criteria: Invitae Variant Classification Sherloc (09022015). Collection method: clinical testing. Allele origin: germline.
Comment: This sequence change replaces histidine, which is basic and polar, with glutamine, which is neutral and polar, at codon 260 of the KIZ protein (p.His260Gln). This variant is present in population databases (no rsID available, gnomAD 0.004%). This variant has not been reported in the literature in individuals affected with KIZ-related conditions. Experimental studies and prediction algorithms are not available or were not evaluated, and the functional significance of this variant is currently unknown. In summary, the available evidence is currently insufficient to determine the role of this variant in disease. Therefore, it has been classified as a Variant of Uncertain Significance.

NM_018474.6(KIZ):c.780T>G (p.His260Gln)

Gene: KIZ (kizuna centrosomal protein; plus strand). Cytogenetic location: 20p11.23.
Variant type: single nucleotide variant.
Coding change: c.780T>G on transcript NM_018474.6 (MANE Select); coding-DNA position 780, T replaced by G.
Protein change: p.His260Gln; replaces histidine 260 with glutamine.
Molecular consequence: missense variant.
Genome position (GRCh38, 1-based): chr20:21,162,245, T>G. VCF-style: chr20-21162245-T-G. GRCh37 (hg19) VCF-style: chr20-21142886-T-G.
Other names: c.471T>G, p.His157Gln (NM_001163022.3, NM_001352435.2); c.381T>G, p.His127Gln (NM_001163023.3); c.633T>G, p.His211Gln (NM_001276389.2); c.780T>G, p.His260Gln (NM_001352434.2); c.438T>G, p.His146Gln (NM_001352436.2); short protein forms H127Q, H146Q, H211Q, H157Q, H260Q.
Identifiers: ClinVar variation 2041444 (VCV002041444.1), dbSNP rs905021727, ClinGen allele CA312979716.